The following is an entry in ClinVar:

NM_001276270.2(MBD4):c.1010G>T (p.Cys337Phe)

Gene: MBD4 (methyl-CpG binding domain 4, DNA glycosylase; minus strand). Cytogenetic location: 3q21.3.
Variant type: single nucleotide variant.
Coding change: c.1010G>T on transcript NM_001276270.2 (MANE Select); coding-DNA position 1010, G replaced by T.
Protein change: p.Cys337Phe; replaces cysteine 337 with phenylalanine.
Molecular consequence: missense variant. On other transcripts: intron variant (1).
Genome position (GRCh38, 1-based): chr3:129,436,634, C>A on the plus strand (G>T on the coding strand, the complement: MBD4 is on the minus strand). VCF-style: chr3-129436634-C-A. GRCh37 (hg19) VCF-style: chr3-129155477-C-A.
Other names: c.1010G>T, p.Cys337Phe (NM_001276271.2, NM_001276272.2, NM_003925.3); c.247+1174G>T (NM_001276273.2); short protein forms C337F.
Identifiers: ClinVar variation 4714694 (VCV004714694.1).

ClinVar aggregate classification (germline): Uncertain significance (1 of 4 stars; one submission).

gnomAD v4.1: 1 of 1,614,050 alleles (0.000062%); highest among the groups gnomAD compares: Admixed American, 0.0017%; no homozygotes.

Submission:

Labcorp Genetics (formerly Invitae), Labcorp
Classification: Uncertain significance. Last evaluated: 2025-03-16. Review status: criteria provided, single submitter. Criteria: Invitae Variant Classification Sherloc (09022015). Collection method: clinical testing. Allele origin: germline.
Comment: This sequence change replaces cysteine, which is neutral and slightly polar, with phenylalanine, which is neutral and non-polar, at codon 337 of the MBD4 protein (p.Cys337Phe). This variant is not present in population databases (gnomAD no frequency). This variant has not been reported in the literature in individuals affected with MBD4-related conditions. An algorithm developed to predict the effect of missense changes on protein structure and function (PolyPhen-2) suggests that this variant is likely to be tolerated. Algorithms developed to predict the effect of sequence changes on RNA splicing suggest that this variant may create or strengthen a splice site. In summary, the available evidence is currently insufficient to determine the role of this variant in disease. Therefore, it has been classified as a Variant of Uncertain Significance.